The following is an entry in ClinVar:

NM_001379500.1(COL18A1):c.1291G>A (p.Val431Ile)

Gene: COL18A1 (collagen type XVIII alpha 1 chain; plus strand). Cytogenetic location: 21q22.3.
Variant type: single nucleotide variant.
Coding change: c.1291G>A on transcript NM_001379500.1 (MANE Select); coding-DNA position 1291, G replaced by A.
Protein change: p.Val431Ile; replaces valine 431 with isoleucine.
Molecular consequence: missense variant.
Genome position (GRCh38, 1-based): chr21:45,479,944, G>A. VCF-style: chr21-45479944-G-A. GRCh37 (hg19) VCF-style: chr21-46899858-G-A.
Other names: c.1831G>A, p.Val611Ile (NM_030582.4); c.2536G>A, p.Val846Ile (NM_130444.3); short protein forms V611I, V431I, V846I.
Identifiers: ClinVar variation 1493697 (VCV001493697.5), dbSNP rs765136526, ClinGen allele CA10066223.
Genomic context (GRCh38, chr21:45,479,944, plus strand): 5'-CCGGATGTTGTGTTCCAGGGCGACACCGGGCCACAAGGCTTCCCCGGGACTCCAGGGGAC[G>A]TAGGTCCCAAGGGCGACAAGGTGAGTCTCCGTGGCTGGGTGGGGCCCCTTCCTGTGTTGG-3'
Protein context (NP_001366429.1, residues 421-441): PQGFPGTPGD[Val431Ile]GPKGDKGDPG

ClinVar aggregate classification (germline): Uncertain significance. Review status: criteria provided, multiple submitters, no conflicts (2 of 4 stars). 2 submissions from 2 submitters: Uncertain significance (2). Last evaluated 2025-10-01.

Allele frequency attached by ClinVar (database versions not stated): TOPMed below 0.00001; gnomAD exomes 0.00001 and 0.00002; ExAC 0.00002.
gnomAD v4.1: 25 of 1,613,852 alleles (0.0015%); highest among the groups gnomAD compares: Middle Eastern, 0.017%; no homozygotes.

Submissions (2):

Labcorp Genetics (formerly Invitae), Labcorp
Classification: Uncertain significance. Last evaluated: 2025-10-01. Review status: criteria provided, single submitter. Criteria: Invitae Variant Classification Sherloc (09022015). Collection method: clinical testing. Allele origin: germline.
Comment: This sequence change replaces valine, which is neutral and non-polar, with isoleucine, which is neutral and non-polar, at codon 431 of the COL18A1 protein (p.Val431Ile). This variant is present in population databases (rs765136526, gnomAD 0.003%). This variant has not been reported in the literature in individuals affected with COL18A1-related conditions. ClinVar contains an entry for this variant (Variation ID: 1493697). Experimental studies and prediction algorithms are not available or were not evaluated, and the functional significance of this variant is currently unknown. In summary, the available evidence is currently insufficient to determine the role of this variant in disease. Therefore, it has been classified as a Variant of Uncertain Significance.

Women's Health and Genetics/Laboratory Corporation of America, LabCorp
Classification: Uncertain significance. Last evaluated: 2024-05-29. Review status: criteria provided, single submitter. Criteria: LabCorp Variant Classification Summary - May 2015. Collection method: clinical testing. Allele origin: germline.
Comment: Variant summary: COL18A1 c.1291G>A (p.Val431Ile) results in a conservative amino acid change in the encoded protein sequence. Five of five in-silico tools predict a benign effect of the variant on protein function. The variant allele was found at a frequency of 1.2e-05 in 249026 control chromosomes. The available data on variant occurrences in the general population are insufficient to allow any conclusion about variant significance. To our knowledge, no occurrence of c.1291G>A in individuals affected with Knobloch Syndrome 1 and no experimental evidence demonstrating its impact on protein function have been reported. ClinVar contains an entry for this variant (Variation ID: 1493697). Based on the evidence outlined above, the variant was classified as uncertain significance.